The following is an entry in ClinVar:

NM_000051.4(ATM):c.8266A>C (p.Lys2756Gln)

Genes: ATM (ATM serine/threonine kinase; plus strand), C11orf65 (chromosome 11 open reading frame 65; minus strand). Cytogenetic location: 11q22.3.
Variant type: single nucleotide variant.
Coding change: c.8266A>C on transcript NM_000051.4 (MANE Select); coding-DNA position 8266, A replaced by C.
Protein change: p.Lys2756Gln; replaces lysine 2756 with glutamine.
Molecular consequence: missense variant. On other transcripts: intron variant (2).
Genome position (GRCh38, 1-based): chr11:108,335,959, A>C. VCF-style: chr11-108335959-A-C. GRCh37 (hg19) VCF-style: chr11-108206686-A-C.
Other names: c.8266A>C, p.Lys2756Gln (NM_001351834.2); c.641-26888T>G (NM_001330368.2); c.695-667T>G (NM_001351110.2); short protein forms K2756Q.
Identifiers: ClinVar variation 234169 (VCV000234169.9), dbSNP rs371638537, ClinGen allele CA10579292.

ClinVar aggregate classification (germline): Uncertain significance. Review status: criteria provided, multiple submitters, no conflicts (2 of 4 stars). 2 submissions from 2 submitters: Uncertain significance (2). Last evaluated 2024-12-16.

Conditions:
Hereditary cancer-predisposing syndrome. Also called: Neoplastic Syndromes, Hereditary; Hereditary neoplastic syndrome; Tumor predisposition; Hereditary Cancer Syndrome. Identifiers: Orphanet 140162, MedGen C0027672, MeSH D009386, MONDO:0015356.
Ataxia-telangiectasia syndrome (AT). Also called: Ataxia telangiectasia (A-T); Cerebello-oculocutaneous telangiectasia; Immunodeficiency with ataxia telangiectasia; LOUIS-BAR SYNDROME; AT, COMPLEMENTATION GROUP C; ATAXIA-TELANGIECTASIA, FRESNO VARIANT. Identifiers: Orphanet 100, MedGen C0004135, MONDO:0008840, OMIM 208900.

Submissions (2):

Labcorp Genetics (formerly Invitae), Labcorp
Classification: Uncertain significance for Ataxia-telangiectasia syndrome. Last evaluated: 2024-12-16. Review status: criteria provided, single submitter. Criteria: Invitae Variant Classification Sherloc (09022015). Collection method: clinical testing. Allele origin: germline.
Comment: This sequence change replaces lysine, which is basic and polar, with glutamine, which is neutral and polar, at codon 2756 of the ATM protein (p.Lys2756Gln). This variant is not present in population databases (gnomAD no frequency). This variant has not been reported in the literature in individuals affected with ATM-related conditions. ClinVar contains an entry for this variant (Variation ID: 234169). An algorithm developed to predict the effect of missense changes on protein structure and function (PolyPhen-2) suggests that this variant is likely to be disruptive. In summary, the available evidence is currently insufficient to determine the role of this variant in disease. Therefore, it has been classified as a Variant of Uncertain Significance.

Ambry Genetics
Classification: Uncertain significance for Hereditary cancer-predisposing syndrome. Last evaluated: 2024-02-07. Review status: criteria provided, single submitter. Criteria: Ambry Variant Classification Scheme 2023. Collection method: clinical testing. Allele origin: germline.
Comment: The p.K2756Q variant (also known as c.8266A>C), located in coding exon 55 of the ATM gene, results from an A to C substitution at nucleotide position 8266. The lysine at codon 2756 is replaced by glutamine, an amino acid with similar properties. This amino acid position is highly conserved in available vertebrate species. In addition, the in silico prediction for this alteration is inconclusive. Based on the available evidence, the clinical significance of this alteration remains unclear.